The following is an entry in ClinVar:

NM_002473.6(MYH9):c.3729G>C (p.Ser1243=)

Gene: MYH9 (myosin heavy chain 9; minus strand). Cytogenetic location: 22q12.3.
Variant type: single nucleotide variant.
Coding change: c.3729G>C on transcript NM_002473.6 (MANE Select); coding-DNA position 3729, G replaced by C.
Protein change: p.Ser1243=; no amino-acid change (serine 1243 retained).
Molecular consequence: synonymous variant.
Genome position (GRCh38, 1-based): chr22:36,294,200, C>G on the plus strand (G>C on the coding strand, the complement: MYH9 is on the minus strand). VCF-style: chr22-36294200-C-G. GRCh37 (hg19) VCF-style: chr22-36690246-C-G.
Identifiers: ClinVar variation 2719228 (VCV002719228.4), dbSNP rs761134975, ClinGen allele CA323591537.

ClinVar aggregate classification (germline): Likely benign. Review status: criteria provided, single submitter (1 of 4 stars). 2 submissions from 2 submitters: Likely benign (1). 1 of the submissions does not count toward it. Last evaluated 2023-03-18.

Conditions:
MYH9-related disorder. Identifiers: MedGen C1854520.

gnomAD v4.1: 4 of 1,613,944 alleles (0.00025%); highest among the groups gnomAD compares: Middle Eastern, 0.016%; no homozygotes.

Submissions (2):

Labcorp Genetics (formerly Invitae), Labcorp
Classification: Likely benign. Last evaluated: 2023-03-18. Review status: criteria provided, single submitter. Criteria: Invitae Variant Classification Sherloc (09022015). Collection method: clinical testing. Allele origin: germline.

PreventionGenetics, part of Exact Sciences
Classification: Likely benign for MYH9-related condition. Last evaluated: 2024-04-25. Review status: no assertion criteria provided. Collection method: clinical testing. Allele origin: germline. Not counted in ClinVar's aggregate classification.
Comment: This variant is classified as likely benign based on ACMG/AMP sequence variant interpretation guidelines (Richards et al. 2015 PMID: 25741868, with internal and published modifications).